The following is an entry in ClinVar:

ClinVar aggregate classification (germline): Uncertain significance. Review status: criteria provided, multiple submitters, no conflicts (2 of 4 stars). 2 submissions from 2 submitters: Uncertain significance (2). Last evaluated 2022-02-09.

Conditions:
Autoimmune lymphoproliferative syndrome, type III caused by mutation in PRKCD. Identifiers: Orphanet 3261, Orphanet 664711, MedGen C3809928, MONDO:8000024, OMIM 615559.

Allele frequency attached by ClinVar (database versions not stated): ExAC 0.00002; gnomAD 0.00001; TOPMed 0.00001; gnomAD exomes 0.00002.

Submissions (2):

Labcorp Genetics (formerly Invitae), Labcorp
Classification: Uncertain significance for Autoimmune lymphoproliferative syndrome, type III caused by mutation in PRKCD. Last evaluated: 2022-02-09. Review status: criteria provided, single submitter. Criteria: Invitae Variant Classification Sherloc (09022015). Collection method: clinical testing. Allele origin: germline.
Comment: This sequence change replaces valine, which is neutral and non-polar, with isoleucine, which is neutral and non-polar, at codon 68 of the PRKCD protein (p.Val68Ile). This variant is present in population databases (rs781950537, gnomAD 0.005%). This variant has not been reported in the literature in individuals affected with PRKCD-related conditions. ClinVar contains an entry for this variant (Variation ID: 661777). Algorithms developed to predict the effect of missense changes on protein structure and function are either unavailable or do not agree on the potential impact of this missense change (SIFT: "Deleterious"; PolyPhen-2: "Probably Damaging"; Align-GVGD: "Class C0"). In summary, the available evidence is currently insufficient to determine the role of this variant in disease. Therefore, it has been classified as a Variant of Uncertain Significance.

Baylor Genetics
Classification: Uncertain significance for Autoimmune lymphoproliferative syndrome, type III caused by mutation in PRKCD. Last evaluated: 2018-05-09. Review status: criteria provided, single submitter. Criteria: ACMG Guidelines, 2015. Collection method: clinical testing. Allele origin: paternal. Affected: yes.
Comment: This variant was determined to be of uncertain significance according to ACMG Guidelines, 2015 [PMID:25741868].

NM_006254.4(PRKCD):c.202G>A (p.Val68Ile)

Gene: PRKCD (protein kinase C delta; plus strand). Cytogenetic location: 3p21.1.
Variant type: single nucleotide variant.
Coding change: c.202G>A on transcript NM_006254.4 (MANE Select); coding-DNA position 202, G replaced by A.
Protein change: p.Val68Ile; replaces valine 68 with isoleucine.
Molecular consequence: missense variant.
Genome position (GRCh38, 1-based): chr3:53,179,663, G>A. VCF-style: chr3-53179663-G-A. GRCh37 (hg19) VCF-style: chr3-53213679-G-A.
Other names: c.202G>A, p.Val68Ile (LRG_1327t1, NM_001316327.2, NM_001354679.2 and 2 more transcripts); c.259G>A, p.Val87Ile (NM_001354676.2); c.250G>A, p.Val84Ile (NM_001354678.2); short protein forms V84I, V68I, V87I.
Identifiers: ClinVar variation 661777 (VCV000661777.4), dbSNP rs781950537, ClinGen allele CA2451703.